The following is an entry in ClinVar:

NM_000169.3(GLA):c.998A>T (p.Gln333Leu)

Genes: RPL36A-HNRNPH2 (RPL36A-HNRNPH2 readthrough; plus strand), GLA (galactosidase alpha; minus strand). Cytogenetic location: Xq22.1.
Variant type: single nucleotide variant.
Coding change: c.998A>T on transcript NM_000169.3 (MANE Select); coding-DNA position 998, A replaced by T.
Protein change: p.Gln333Leu; replaces glutamine 333 with leucine.
Molecular consequence: missense variant. On other transcripts: non-coding transcript variant (3), intron variant (2).
Genome position (GRCh38, 1-based): chrX:101,398,371, T>A on the plus strand (A>T on the coding strand, the complement: GLA is on the minus strand). VCF-style: chrX-101398371-T-A. GRCh37 (hg19) VCF-style: chrX-100653359-T-A.
Other names: c.1121A>T, p.Gln374Leu (NM_001406747.1); c.998A>T, p.Gln333Leu (NM_001406748.1); c.300+2914T>A (NM_001199973.2); c.177+6549T>A (NM_001199974.2); short protein forms Q333L, Q374L.
Identifiers: ClinVar variation 1716307 (VCV001716307.6), dbSNP rs2520859110, ClinGen allele CA413921274.

ClinVar aggregate classification (germline): Uncertain significance (1 of 4 stars; one submission).

Conditions:
Fabry disease. Also called: CERAMIDE TRIHEXOSIDASE DEFICIENCY; GLA DEFICIENCY; HEREDITARY DYSTOPIC LIPIDOSIS; Fabry's disease; ALPHA-GALACTOSIDASE A DEFICIENCY; ANDERSON-FABRY DISEASE. Identifiers: Orphanet 324, MedGen C0002986, MONDO:0010526, OMIM 301500, HP:0001071. Disease mechanism: Fabry disease is due to inactivating mutations in the X-linked GLA gene resulting in deficiency of the enzyme Alpha Galactosidase-A., loss of function.

Submission:

Labcorp Genetics (formerly Invitae), Labcorp
Classification: Uncertain significance for Fabry disease. Last evaluated: 2022-08-15. Review status: criteria provided, single submitter. Criteria: Invitae Variant Classification Sherloc (09022015). Collection method: clinical testing. Allele origin: germline.
Comment: In summary, the available evidence is currently insufficient to determine the role of this variant in disease. Therefore, it has been classified as a Variant of Uncertain Significance. Algorithms developed to predict the effect of missense changes on protein structure and function are either unavailable or do not agree on the potential impact of this missense change (SIFT: "Deleterious"; PolyPhen-2: "Benign"; Align-GVGD: "Class C0"). This variant has not been reported in the literature in individuals affected with GLA-related conditions. This variant is not present in population databases (gnomAD no frequency). This sequence change replaces glutamine, which is neutral and polar, with leucine, which is neutral and non-polar, at codon 333 of the GLA protein (p.Gln333Leu).